The following is an entry in ClinVar:

NM_000059.4(BRCA2):c.845A>G (p.His282Arg)

Gene: BRCA2 (BRCA2 DNA repair associated; plus strand). Cytogenetic location: 13q13.1.
Variant type: single nucleotide variant.
Coding change: c.845A>G on transcript NM_000059.4 (MANE Select); coding-DNA position 845, A replaced by G.
Protein change: p.His282Arg; replaces histidine 282 with arginine.
Molecular consequence: missense variant. On other transcripts: non-coding transcript variant (1), intron variant (1).
Genome position (GRCh38, 1-based): chr13:32,332,323, A>G. VCF-style: chr13-32332323-A-G. GRCh37 (hg19) VCF-style: chr13-32906460-A-G.
Other names: c.845A>G, p.His282Arg (NM_001406719.1, NM_001406720.1, NM_001406721.1); c.424+1293A>G (NM_001406722.1); short protein forms H282R.
Identifiers: ClinVar variation 2830844 (VCV002830844.3), dbSNP rs774063092, ClinGen allele CA6940470.

ClinVar aggregate classification (germline): Uncertain significance (1 of 4 stars; one submission).

Conditions:
Hereditary breast ovarian cancer syndrome. Also called: Hereditary breast and ovarian cancer; BRCA1- and BRCA2-Associated Hereditary Breast and Ovarian Cancer; Hereditary breast and ovarian cancer syndrome; Hereditary breast and ovarian cancer syndrome (HBOC); Breast and ovarian cancer; Hereditary breast and/or ovarian cancer syndrome. Identifiers: Orphanet 145, MedGen C0677776, MeSH D061325, MONDO:0003582. Disease mechanism: loss of function.

Allele frequency attached by ClinVar (database versions not stated): ExAC 0.00001.
gnomAD v4.1: 1 of 1,604,254 alleles (0.000062%); highest among the groups gnomAD compares: South Asian, 0.0011%; no homozygotes.

Submission:

Labcorp Genetics (formerly Invitae), Labcorp
Classification: Uncertain significance for Hereditary breast ovarian cancer syndrome. Last evaluated: 2023-02-06. Review status: criteria provided, single submitter. Criteria: Invitae Variant Classification Sherloc (09022015). Collection method: clinical testing. Allele origin: germline.
Comment: This sequence change replaces histidine, which is basic and polar, with arginine, which is basic and polar, at codon 282 of the BRCA2 protein (p.His282Arg). This variant is present in population databases (rs774063092, gnomAD 0.004%). This variant has not been reported in the literature in individuals affected with BRCA2-related conditions. Advanced modeling of protein sequence and biophysical properties (such as structural, functional, and spatial information, amino acid conservation, physicochemical variation, residue mobility, and thermodynamic stability) performed at Invitae indicates that this missense variant is not expected to disrupt BRCA2 protein function. In summary, the available evidence is currently insufficient to determine the role of this variant in disease. Therefore, it has been classified as a Variant of Uncertain Significance.